The following is an entry in ClinVar:

NM_001378454.1(ALMS1):c.11765A>G (p.Asn3922Ser)

Gene: ALMS1 (ALMS1 centrosome and basal body associated protein; plus strand). Cytogenetic location: 2p13.1.
Variant type: single nucleotide variant.
Coding change: c.11765A>G on transcript NM_001378454.1 (MANE Select); coding-DNA position 11765, A replaced by G.
Protein change: p.Asn3922Ser; replaces asparagine 3922 with serine.
Molecular consequence: missense variant.
Genome position (GRCh38, 1-based): chr2:73,600,774, A>G. VCF-style: chr2-73600774-A-G. GRCh37 (hg19) VCF-style: chr2-73827901-A-G.
Other names: c.11768A>G, p.Asn3923Ser (NM_015120.4); short protein forms N3923S, N3922S.
Identifiers: ClinVar variation 426619 (VCV000426619.22), dbSNP rs199874928, ClinGen allele CA1715316.

ClinVar aggregate classification (germline): Conflicting classifications of pathogenicity. Review status: criteria provided, conflicting classifications (1 of 4 stars). 8 submissions from 8 submitters: Uncertain significance (2); Uncertain risk allele (1); Likely benign (4). 1 of the submissions does not count toward it. Last evaluated 2026-02-03.

Conditions:
Monogenic diabetes. Identifiers: Orphanet 183625, MedGen C3888631, MONDO:0015967.
Cardiovascular phenotype. Identifiers: MedGen CN230736.
Alstrom syndrome (ALMS). Identifiers: Orphanet 64, MedGen C0268425, MONDO:0008763, OMIM 203800.

Allele frequency attached by ClinVar (database versions not stated): gnomAD exomes 0.00008 and 0.00018; ExAC 0.00018; 1000 Genomes Project 0.00060; 1000 Genomes Project 30x 0.00062; gnomAD 0.00073 and 0.00078; ESP Exome Variant Server 0.00085; TOPMed 0.00099.
gnomAD v4.1: 232 of 1,614,248 alleles (0.014%); highest among the groups gnomAD compares: African/African-American, 0.28%; no homozygotes.

Submissions (8):

Labcorp Genetics (formerly Invitae), Labcorp
Classification: Likely benign for Alstrom syndrome. Last evaluated: 2026-02-03. Review status: criteria provided, single submitter. Criteria: Invitae Variant Classification Sherloc (09022015). Collection method: clinical testing. Allele origin: germline.

Blueprint Genetics
Classification: Likely benign. Last evaluated: 2024-05-14. Review status: criteria provided, single submitter. Criteria: ACMG Guidelines, 2015. Collection method: clinical testing. Allele origin: germline.

GeneDx
Classification: Uncertain significance. Last evaluated: 2023-04-14. Review status: criteria provided, single submitter. Criteria: GeneDx Variant Classification Process June 2021. Collection method: clinical testing. Allele origin: germline. Affected: yes.
Comment: In silico analysis supports that this missense variant does not alter protein structure/function; Has not been previously published as pathogenic or benign to our knowledge

Women's Health and Genetics/Laboratory Corporation of America, LabCorp
Classification: Uncertain significance. Last evaluated: 2022-07-18. Review status: criteria provided, single submitter. Criteria: LabCorp Variant Classification Summary - May 2015. Collection method: clinical testing. Allele origin: germline.

Ambry Genetics
Classification: Likely benign for Cardiovascular phenotype. Last evaluated: 2021-09-02. Review status: criteria provided, single submitter. Criteria: Ambry Variant Classification Scheme 2023. Collection method: clinical testing. Allele origin: germline.

Personalized Diabetes Medicine Program, University of Maryland School of Medicine
Classification: Likely benign for Monogenic diabetes. Last evaluated: 2018-01-26. Review status: criteria provided, single submitter. Criteria: ACMG Guidelines, 2015. Collection method: research. Allele origin: unknown. Observed: 1 variant allele, 1 heterozygote.
Comment: ACMG criteria: PP3 (3 predictors), BP4 (7 predictors), BP1 (missense in gene with truncating cause disease)=likely benign

Clinical Genomics, Uppaluri K&H Personalized Medicine Clinic
Classification: Uncertain risk allele for Alstrom syndrome. Review status: criteria provided, single submitter. Criteria: K & H Uppaluri Personalized Medicine Clinic Variant Classification & Assertion Criteria_Updated V.1. Collection method: research. Allele origin: unknown. Inheritance: Autosomal recessive inheritance.
Comment: Potent mutations in ALMS1 are associated with a rare condition called Alstrom syndrome. It can cause excessive eating, insulin resistance. However, no evidence is found to ascertain the role of rs199874928 in Alstrom syndrome yet.

Natera, Inc.
Classification: Likely benign for Alstrom syndrome. Last evaluated: 2020-05-02. Review status: no assertion criteria provided. Collection method: clinical testing. Allele origin: germline. Not counted in ClinVar's aggregate classification.

Literature cited by the submitters: PubMed 34148947 (cited by Clinical Genomics, Uppaluri K&H Personalized Medicine Clinic); PubMed 25846608 (cited by Clinical Genomics, Uppaluri K&H Personalized Medicine Clinic); PubMed 30421101 (cited by Clinical Genomics, Uppaluri K&H Personalized Medicine Clinic); PubMed 33669459 (cited by Clinical Genomics, Uppaluri K&H Personalized Medicine Clinic).